The following is an entry in ClinVar:

NM_001458.5(FLNC):c.6642C>T (p.Gly2214=)

Genes: FLNC (filamin C; plus strand), FLNC-AS1 (FLNC antisense RNA 1; minus strand). Cytogenetic location: 7q32.1.
Variant type: single nucleotide variant.
Coding change: c.6642C>T on transcript NM_001458.5 (MANE Select); coding-DNA position 6642, C replaced by T.
Protein change: p.Gly2214=; no amino-acid change (glycine 2214 retained).
Molecular consequence: synonymous variant.
Genome position (GRCh38, 1-based): chr7:128,854,131, C>T. VCF-style: chr7-128854131-C-T. GRCh37 (hg19) VCF-style: chr7-128494185-C-T.
Other names: c.6543C>T, p.Gly2181= (NM_001127487.2).
Identifiers: ClinVar variation 539389 (VCV000539389.15), dbSNP rs546247674, ClinGen allele CA4476039.

ClinVar aggregate classification (germline): Conflicting classifications of pathogenicity. Review status: criteria provided, conflicting classifications (1 of 4 stars). 5 submissions from 5 submitters: Uncertain significance (2); Likely benign (3). Last evaluated 2026-08-01.

Conditions:
Cardiovascular phenotype. Identifiers: MedGen CN230736.
Distal myopathy with posterior leg and anterior hand involvement. Also called: WILLIAMS DISTAL MYOPATHY. Identifiers: Orphanet 63273, MedGen C3279722, MONDO:0013550, OMIM 614065.
Myofibrillar myopathy 5. Also called: Filaminopathy (type); FILAMINOPATHY, AUTOSOMAL DOMINANT. Identifiers: Orphanet 171445, MedGen C1836050, MONDO:0012289, OMIM 609524.
Hypertrophic cardiomyopathy 26. Also called: Cardiomyopathy, familial hypertrophic, 26. Identifiers: Orphanet 75249, MedGen C4310749, MONDO:0014883, OMIM 617047.

Allele frequency attached by ClinVar (database versions not stated): ExAC 0.00001; gnomAD exomes 0.00001; TOPMed 0.00002; gnomAD 0.00003; 1000 Genomes Project 30x 0.00016; 1000 Genomes Project 0.00020.
gnomAD v4.1: 30 of 1,612,686 alleles (0.0019%); highest among the groups gnomAD compares: Middle Eastern, 0.016%; 1 homozygote.

Submissions (5):

CeGaT Center for Human Genetics Tuebingen
Classification: Likely benign. Last evaluated: 2026-08-01. Review status: criteria provided, single submitter. Criteria: CeGaT Center For Human Genetics Tuebingen Variant Classification Criteria Version 2. Collection method: clinical testing. Allele origin: germline. Affected: yes. Observed: 1 variant allele.
Comment: FLNC: BP4, BP7

Labcorp Genetics (formerly Invitae), Labcorp
Classification: Likely benign for Distal myopathy with posterior leg and anterior hand involvement; Myofibrillar myopathy 5; Hypertrophic cardiomyopathy 26. Last evaluated: 2026-01-18. Review status: criteria provided, single submitter. Criteria: Invitae Variant Classification Sherloc (09022015). Collection method: clinical testing. Allele origin: germline.

Ambry Genetics
Classification: Uncertain significance for Cardiovascular phenotype. Last evaluated: 2024-04-22. Review status: criteria provided, single submitter. Criteria: Ambry Variant Classification Scheme 2023. Collection method: clinical testing. Allele origin: germline.
Comment: The c.6642C>T variant (also known as p.G2214G), located in coding exon 40 of the FLNC gene, results from a C to T substitution at nucleotide position 6642. This nucleotide substitution does not change the glycine at codon 2214. This nucleotide position is not well conserved in available vertebrate species. In silico splice site analysis predicts that this alteration will result in the creation or strengthening of a novel splice donor site. Since supporting evidence is limited at this time, the clinical significance of this alteration remains unclear.

Blueprint Genetics
Classification: Likely benign. Last evaluated: 2019-12-21. Review status: criteria provided, single submitter. Criteria: ACMG Guidelines, 2015. Collection method: clinical testing. Allele origin: germline.

GeneDx
Classification: Uncertain significance. Last evaluated: 2019-04-15. Review status: criteria provided, single submitter. Criteria: GeneDx Variant Classification Process June 2021. Collection method: clinical testing. Allele origin: germline. Affected: yes.
Comment: Not observed at a significant frequency in large population cohorts (Lek et al., 2016); Has not been previously published as pathogenic or benign to our knowledge; In-silico analysis, which includes splice predictors and evolutionary conservation, is inconclusive as to whether the variant alters gene splicing. In the absence of RNA/functional studies, the actual effect of this sequence change is unknown.; Reported in ClinVar but additional evidence is not available (ClinVar Variant ID# 539389; Landrum et al., 2016)

Literature cited by the submitters: PubMed 38473809 (cited by Ambry Genetics).